The following is an entry in ClinVar:

ClinVar aggregate classification (germline): Uncertain significance (1 of 4 stars; one submission).

Conditions:
TMEM165-congenital disorder of glycosylation. Also called: CDG IIk; Congenital disorder of glycosylation type 2k; TMEM165-CDG. Identifiers: Orphanet 314667, MedGen C3553571, MONDO:0013870, OMIM 614727.

Allele frequency attached by ClinVar (database versions not stated): ExAC 0.00001; gnomAD 0.00001; gnomAD exomes 0.00001; TOPMed 0.00001.
gnomAD v4.1: 8 of 1,608,946 alleles (0.0005%); highest among the groups gnomAD compares: East Asian, 0.0022%; no homozygotes.

Submission:

Labcorp Genetics (formerly Invitae), Labcorp
Classification: Uncertain significance for TMEM165-congenital disorder of glycosylation. Last evaluated: 2023-04-09. Review status: criteria provided, single submitter. Criteria: Invitae Variant Classification Sherloc (09022015). Collection method: clinical testing. Allele origin: germline.
Comment: This sequence change replaces threonine, which is neutral and polar, with isoleucine, which is neutral and non-polar, at codon 73 of the TMEM165 protein (p.Thr73Ile). This variant is present in population databases (rs771232299, gnomAD 0.006%). In summary, the available evidence is currently insufficient to determine the role of this variant in disease. Therefore, it has been classified as a Variant of Uncertain Significance. An algorithm developed to predict the effect of missense changes on protein structure and function (PolyPhen-2) suggests that this variant is likely to be tolerated. This variant has not been reported in the literature in individuals affected with TMEM165-related conditions.

NM_018475.5(TMEM165):c.218C>T (p.Thr73Ile)

Gene: TMEM165 (transmembrane protein 165; plus strand). Cytogenetic location: 4q12.
Variant type: single nucleotide variant.
Coding change: c.218C>T on transcript NM_018475.5 (MANE Select); coding-DNA position 218, C replaced by T.
Protein change: p.Thr73Ile; replaces threonine 73 with isoleucine.
Molecular consequence: missense variant. On other transcripts: non-coding transcript variant (1).
Genome position (GRCh38, 1-based): chr4:55,411,624, C>T. VCF-style: chr4-55411624-C-T. GRCh37 (hg19) VCF-style: chr4-56277791-C-T.
Other names: short protein forms T73I.
Identifiers: ClinVar variation 2791919 (VCV002791919.3), dbSNP rs771232299, ClinGen allele CA2925479.